The following is an entry in ClinVar:

ClinVar aggregate classification (germline): Benign (0 of 4 stars; one submission).

Conditions:
NCOR2-related disorder. Also called: NCOR2-related condition.

Allele frequency attached by ClinVar (database versions not stated): 1000 Genomes Project 0.31510; ExAC 0.31610; 1000 Genomes Project 30x 0.32339; gnomAD exomes 0.32521; TOPMed 0.33368; gnomAD 0.34698; ESP Exome Variant Server 0.36129.
gnomAD v4.1: 524,293 of 1,604,166 alleles (33%); highest among the groups gnomAD compares: African/African-American, 44%; 89,290 homozygotes.

Submission:

PreventionGenetics, part of Exact Sciences
Classification: Benign for NCOR2-related condition. Last evaluated: 2019-10-17. Review status: no assertion criteria provided. Collection method: clinical testing. Allele origin: germline.
Comment: This variant is classified as benign based on ACMG/AMP sequence variant interpretation guidelines (Richards et al. 2015 PMID: 25741868, with internal and published modifications).

NM_006312.6(NCOR2):c.2757T>C (p.Ala919=)

Gene: NCOR2 (nuclear receptor corepressor 2; minus strand). Cytogenetic location: 12q24.31.
Variant type: single nucleotide variant.
Coding change: c.2757T>C on transcript NM_006312.6 (MANE Select); coding-DNA position 2757, T replaced by C.
Protein change: p.Ala919=; no amino-acid change (alanine 919 retained).
Molecular consequence: synonymous variant.
Genome position (GRCh38, 1-based): chr12:124,372,072, A>G on the plus strand (T>C on the coding strand, the complement: NCOR2 is on the minus strand). VCF-style: chr12-124372072-A-G. GRCh37 (hg19) VCF-style: chr12-124856618-A-G.
Other names: c.2703T>C, p.Ala901= (NM_001077261.4, NM_001206654.2).
Identifiers: ClinVar variation 3059724 (VCV003059724.2), dbSNP rs7961196, ClinGen allele CA6868959.